The following is an entry in ClinVar:

NM_004100.5(EYA4):c.463C>T (p.Pro155Ser)

Gene: EYA4 (EYA transcriptional coactivator and phosphatase 4; plus strand). Cytogenetic location: 6q23.2.
Variant type: single nucleotide variant.
Coding change: c.463C>T on transcript NM_004100.5 (MANE Select); coding-DNA position 463, C replaced by T.
Protein change: p.Pro155Ser; replaces proline 155 with serine.
Molecular consequence: missense variant.
Genome position (GRCh38, 1-based): chr6:133,462,360, C>T. VCF-style: chr6-133462360-C-T. GRCh37 (hg19) VCF-style: chr6-133783498-C-T.
Other names: c.301C>T, p.Pro101Ser (NM_001301012.2, NM_001370459.1); c.463C>T, p.Pro155Ser (NM_001301013.2, NM_172105.4); c.394C>T, p.Pro132Ser (NM_001370458.1, NM_172103.4); c.463C>T (NM_004100.4); short protein forms P155S, P101S, P132S.
Identifiers: ClinVar variation 1405541 (VCV001405541.9), dbSNP rs543278630, ClinGen allele CA4008078.
Genomic context (GRCh38, chr6:133,462,360, plus strand): 5'-TGTTGCCACAGTAATGCTATTTTTCTGATATTTAGGCCCTATCCACACATTCTTTCTACA[C>T]CAGCAGCTCAAACAATGTCTGCCTATGCAGGCCAGACTCAGTATTCGGGGATGCAGCAGC-3'
Protein context (NP_004091.3, residues 145-165): SKPYPHILST[Pro155Ser]AAQTMSAYAG

ClinVar aggregate classification (germline): Uncertain significance. Review status: criteria provided, multiple submitters, no conflicts (2 of 4 stars). 2 submissions from 2 submitters: Uncertain significance (2). Last evaluated 2025-08-29.

Conditions:
Dilated cardiomyopathy 1J (CMD1J). Also called: CARDIOMYOPATHY, DILATED, WITH SENSORINEURAL HEARING LOSS, AUTOSOMAL DOMINANT. Identifiers: Orphanet 217622, MedGen C1854368, MONDO:0011541, OMIM 605362.
Cardiovascular phenotype. Identifiers: MedGen CN230736.

Allele frequency attached by ClinVar (database versions not stated): gnomAD exomes below 0.00001 and 0.00001; TOPMed below 0.00001; ExAC 0.00001; gnomAD 0.00001 and 0.00002; 1000 Genomes Project 30x 0.00016; 1000 Genomes Project 0.00020.
gnomAD v4.1: 5 of 1,614,062 alleles (0.00031%); highest among the groups gnomAD compares: Admixed American, 0.0067%; no homozygotes.

Submissions (2):

Ambry Genetics
Classification: Uncertain significance for Cardiovascular phenotype. Last evaluated: 2025-08-29. Review status: criteria provided, single submitter. Criteria: Ambry Variant Classification Scheme 2023. Collection method: clinical testing. Allele origin: germline.

Labcorp Genetics (formerly Invitae), Labcorp
Classification: Uncertain significance for Dilated cardiomyopathy 1J. Last evaluated: 2025-07-01. Review status: criteria provided, single submitter. Criteria: Invitae Variant Classification Sherloc (09022015). Collection method: clinical testing. Allele origin: germline.
Comment: This sequence change replaces proline, which is neutral and non-polar, with serine, which is neutral and polar, at codon 155 of the EYA4 protein (p.Pro155Ser). This variant is present in population databases (rs543278630, gnomAD 0.006%). This variant has not been reported in the literature in individuals affected with EYA4-related conditions. ClinVar contains an entry for this variant (Variation ID: 1405541). Invitae Evidence Modeling of protein sequence and biophysical properties (such as structural, functional, and spatial information, amino acid conservation, physicochemical variation, residue mobility, and thermodynamic stability) indicates that this missense variant is not expected to disrupt EYA4 protein function with a negative predictive value of 80%. In summary, the available evidence is currently insufficient to determine the role of this variant in disease. Therefore, it has been classified as a Variant of Uncertain Significance.